The following is an entry in ClinVar:

ClinVar aggregate classification (germline): Uncertain significance. Review status: criteria provided, multiple submitters, no conflicts (2 of 4 stars). 2 submissions from 2 submitters: Uncertain significance (2). Last evaluated 2026-08-06.

Conditions:
Inborn genetic diseases. Identifiers: MedGen C0950123, MeSH D030342.
Geleophysic dysplasia 1 (GPHYSD1). Also called: Geleophysic dwarfism. Identifiers: Orphanet 2623, MedGen C3278147, MONDO:0009269, OMIM 231050.

gnomAD v4.1: 227 of 1,550,958 alleles (0.015%); highest among the groups gnomAD compares: Admixed American, 0.018%; no homozygotes.

Submissions (2):

OLLIN Analises Genomicas, OLLIN
Classification: Uncertain significance for Geleophysic dysplasia 1. Last evaluated: 2026-08-06. Review status: criteria provided, single submitter. Criteria: ACMG Guidelines 2015 PMID 25741868. Collection method: clinical testing. Allele origin: germline. Inheritance: Autosomal recessive inheritance.
Comment: This missense variant, located in exon 5 (of 19), has been reported in ClinVar (accession VCV003492512.1) and in gnomAD with an allele frequency of 0.015%. However, to our knowledge, it has not been reported in the scientific literature. In silico analysis predicts that this variant has a tolerated effect. According to the currently available evidence, this variant has been classified as uncertain significance (PM2_P, BP4).

Ambry Genetics
Classification: Uncertain significance for Inborn genetic diseases. Last evaluated: 2024-09-08. Review status: criteria provided, single submitter. Criteria: Ambry Variant Classification Scheme 2023. Collection method: clinical testing. Allele origin: germline.

NM_014694.4(ADAMTSL2):c.370G>A (p.Val124Met)

Gene: ADAMTSL2 (ADAMTS like 2; plus strand). Cytogenetic location: 9q34.2.
Variant type: single nucleotide variant.
Coding change: c.370G>A on transcript NM_014694.4 (MANE Select); coding-DNA position 370, G replaced by A.
Protein change: p.Val124Met; replaces valine 124 with methionine.
Molecular consequence: missense variant.
Genome position (GRCh38, 1-based): chr9:133,539,831, G>A. VCF-style: chr9-133539831-G-A. GRCh37 (hg19) VCF-style: chr9-136404953-G-A.
Other names: c.370G>A, p.Val124Met (NM_001145320.2); short protein forms V124M.
Identifiers: ClinVar variation 3492512 (VCV003492512.2).